The following is an entry in ClinVar:

NM_006059.4(LAMC3):c.2698C>T (p.Arg900Cys)

Gene: LAMC3 (laminin subunit gamma 3; plus strand). Cytogenetic location: 9q34.12.
Variant type: single nucleotide variant.
Coding change: c.2698C>T on transcript NM_006059.4 (MANE Select); coding-DNA position 2698, C replaced by T.
Protein change: p.Arg900Cys; replaces arginine 900 with cysteine.
Molecular consequence: missense variant.
Genome position (GRCh38, 1-based): chr9:131,068,182, C>T. VCF-style: chr9-131068182-C-T. GRCh37 (hg19) VCF-style: chr9-133943569-C-T.
Other names: short protein forms R900C.
Identifiers: ClinVar variation 1212632 (VCV001212632.5), dbSNP rs757253079, ClinGen allele CA5287536.

ClinVar aggregate classification (germline): Uncertain significance. Review status: criteria provided, multiple submitters, no conflicts (2 of 4 stars). 2 submissions from 2 submitters: Uncertain significance (2). Last evaluated 2022-07-27.

Allele frequency attached by ClinVar (database versions not stated): gnomAD 0.00001; TOPMed 0.00001; ExAC 0.00002; gnomAD exomes 0.00002 and 0.00003.
gnomAD v4.1: 41 of 1,612,982 alleles (0.0025%); highest among the groups gnomAD compares: South Asian, 0.011%; no homozygotes.

Submissions (2):

Labcorp Genetics (formerly Invitae), Labcorp
Classification: Uncertain significance. Last evaluated: 2022-07-27. Review status: criteria provided, single submitter. Criteria: Invitae Variant Classification Sherloc (09022015). Collection method: clinical testing. Allele origin: germline.
Comment: This sequence change replaces arginine, which is basic and polar, with cysteine, which is neutral and slightly polar, at codon 900 of the LAMC3 protein (p.Arg900Cys). This variant is present in population databases (rs757253079, gnomAD 0.006%). This variant has not been reported in the literature in individuals affected with LAMC3-related conditions. ClinVar contains an entry for this variant (Variation ID: 1212632). Algorithms developed to predict the effect of missense changes on protein structure and function are either unavailable or do not agree on the potential impact of this missense change (SIFT: "Deleterious"; PolyPhen-2: "Possibly Damaging"; Align-GVGD: "Class C0"). In summary, the available evidence is currently insufficient to determine the role of this variant in disease. Therefore, it has been classified as a Variant of Uncertain Significance.

GeneDx
Classification: Uncertain significance. Last evaluated: 2021-01-13. Review status: criteria provided, single submitter. Criteria: GeneDx Variant Classification Process June 2021. Collection method: clinical testing. Allele origin: germline. Affected: yes.
Comment: Not observed at a significant frequency in large population cohorts (Lek et al., 2016); In silico analysis supports that this missense variant does not alter protein structure/function; Has not been previously published as pathogenic or benign to our knowledge